The following is an entry in ClinVar:

ClinVar aggregate classification (germline): Uncertain significance. Review status: criteria provided, multiple submitters, no conflicts (2 of 4 stars). 2 submissions from 2 submitters: Uncertain significance (2). Last evaluated 2023-11-16.

Allele frequency attached by ClinVar (database versions not stated): gnomAD 0.00003; TOPMed 0.00003; ExAC 0.00005.
gnomAD v4.1: 71 of 1,551,162 alleles (0.0046%); highest among the groups gnomAD compares: Non-Finnish European, 0.0057%; no homozygotes.

Submissions (2):

Blueprint Genetics
Classification: Uncertain significance. Last evaluated: 2023-11-16. Review status: criteria provided, single submitter. Criteria: ACMG Guidelines, 2015. Collection method: clinical testing. Allele origin: germline.

Labcorp Genetics (formerly Invitae), Labcorp
Classification: Uncertain significance. Last evaluated: 2022-10-17. Review status: criteria provided, single submitter. Criteria: Invitae Variant Classification Sherloc (09022015). Collection method: clinical testing. Allele origin: germline.
Comment: This sequence change replaces asparagine, which is neutral and polar, with isoleucine, which is neutral and non-polar, at codon 1589 of the EYS protein (p.Asn1589Ile). This variant is present in population databases (rs762302769, gnomAD 0.002%). This variant has not been reported in the literature in individuals affected with EYS-related conditions. Advanced modeling of protein sequence and biophysical properties (such as structural, functional, and spatial information, amino acid conservation, physicochemical variation, residue mobility, and thermodynamic stability) has been performed at Invitae for this missense variant, however the output from this modeling did not meet the statistical confidence thresholds required to predict the impact of this variant on EYS protein function. In summary, the available evidence is currently insufficient to determine the role of this variant in disease. Therefore, it has been classified as a Variant of Uncertain Significance.

NM_001142800.2(EYS):c.4766A>T (p.Asn1589Ile)

Gene: EYS (EGF-like photoreceptor maintenance factor; minus strand). Cytogenetic location: 6q12.
Variant type: single nucleotide variant.
Coding change: c.4766A>T on transcript NM_001142800.2 (MANE Select); coding-DNA position 4766, A replaced by T.
Protein change: p.Asn1589Ile; replaces asparagine 1589 with isoleucine.
Molecular consequence: missense variant.
Genome position (GRCh38, 1-based): chr6:64,591,101, T>A on the plus strand (A>T on the coding strand, the complement: EYS is on the minus strand). VCF-style: chr6-64591101-T-A. GRCh37 (hg19) VCF-style: chr6-65300994-T-A.
Other names: c.4766A>T, p.Asn1589Ile (NM_001292009.2); short protein forms N1589I.
Identifiers: ClinVar variation 2200938 (VCV002200938.2), dbSNP rs762302769, ClinGen allele CA3877059.